The following is an entry in ClinVar:

NM_021020.5(LZTS1):c.526C>T (p.Arg176Trp)

Gene: LZTS1 (leucine zipper tumor suppressor 1; minus strand). Cytogenetic location: 8p21.3.
Variant type: single nucleotide variant.
Coding change: c.526C>T on transcript NM_021020.5 (MANE Select); coding-DNA position 526, C replaced by T.
Protein change: p.Arg176Trp; replaces arginine 176 with tryptophan.
Molecular consequence: missense variant.
Genome position (GRCh38, 1-based): chr8:20,253,405, G>A on the plus strand (C>T on the coding strand, the complement: LZTS1 is on the minus strand). VCF-style: chr8-20253405-G-A. GRCh37 (hg19) VCF-style: chr8-20110916-G-A.
Other names: c.526C>T, p.Arg176Trp (NM_001362884.2); c.526C>T (NM_021020.2); short protein forms R176W.
Identifiers: ClinVar variation 2415451 (VCV002415451.7), dbSNP rs747202756, ClinGen allele CA4657501.

ClinVar aggregate classification (germline): Uncertain significance. Review status: criteria provided, multiple submitters, no conflicts (2 of 4 stars). 2 submissions from 2 submitters: Uncertain significance (2). Last evaluated 2026-01-19.

Allele frequency attached by ClinVar (database versions not stated): gnomAD exomes 0.00001; TOPMed 0.00001; ExAC 0.00002.
gnomAD v4.1: 21 of 1,611,944 alleles (0.0013%); highest among the groups gnomAD compares: Admixed American, 0.012%; no homozygotes.

Submissions (2):

Labcorp Genetics (formerly Invitae), Labcorp
Classification: Uncertain significance. Last evaluated: 2026-01-19. Review status: criteria provided, single submitter. Criteria: Invitae Variant Classification Sherloc (09022015). Collection method: clinical testing. Allele origin: germline.
Comment: This sequence change replaces arginine, which is basic and polar, with tryptophan, which is neutral and slightly polar, at codon 176 of the LZTS1 protein (p.Arg176Trp). This variant is present in population databases (rs747202756, gnomAD 0.006%). This variant has not been reported in the literature in individuals affected with LZTS1-related conditions. ClinVar contains an entry for this variant (Variation ID: 2415451). Invitae Evidence Modeling of protein sequence and biophysical properties (such as structural, functional, and spatial information, amino acid conservation, physicochemical variation, residue mobility, and thermodynamic stability) indicates that this missense variant is expected to disrupt LZTS1 protein function with a positive predictive value of 80%. In summary, the available evidence is currently insufficient to determine the role of this variant in disease. Therefore, it has been classified as a Variant of Uncertain Significance.

Ambry Genetics
Classification: Uncertain significance. Last evaluated: 2025-08-31. Review status: criteria provided, single submitter. Criteria: Ambry Variant Classification Scheme 2023. Collection method: clinical testing. Allele origin: germline.